The following is an entry in ClinVar:

ClinVar aggregate classification (germline): Uncertain significance (1 of 4 stars; one submission).

Allele frequency attached by ClinVar (database versions not stated): TOPMed below 0.00001.

Submission:

Labcorp Genetics (formerly Invitae), Labcorp
Classification: Uncertain significance. Last evaluated: 2023-10-08. Review status: criteria provided, single submitter. Criteria: Invitae Variant Classification Sherloc (09022015). Collection method: clinical testing. Allele origin: germline.
Comment: This sequence change replaces valine, which is neutral and non-polar, with isoleucine, which is neutral and non-polar, at codon 1656 of the DCHS1 protein (p.Val1656Ile). This variant is not present in population databases (gnomAD no frequency). This variant has not been reported in the literature in individuals affected with DCHS1-related conditions. Advanced modeling of protein sequence and biophysical properties (such as structural, functional, and spatial information, amino acid conservation, physicochemical variation, residue mobility, and thermodynamic stability) performed at Invitae indicates that this missense variant is not expected to disrupt DCHS1 protein function. In summary, the available evidence is currently insufficient to determine the role of this variant in disease. Therefore, it has been classified as a Variant of Uncertain Significance.

NM_003737.4(DCHS1):c.4966G>A (p.Val1656Ile)

Gene: DCHS1 (dachsous cadherin-related 1; minus strand). Cytogenetic location: 11p15.4.
Variant type: single nucleotide variant.
Coding change: c.4966G>A on transcript NM_003737.4 (MANE Select); coding-DNA position 4966, G replaced by A.
Protein change: p.Val1656Ile; replaces valine 1656 with isoleucine.
Molecular consequence: missense variant.
Genome position (GRCh38, 1-based): chr11:6,629,741, C>T on the plus strand (G>A on the coding strand, the complement: DCHS1 is on the minus strand). VCF-style: chr11-6629741-C-T. GRCh37 (hg19) VCF-style: chr11-6650972-C-T.
Other names: short protein forms V1656I.
Identifiers: ClinVar variation 2807819 (VCV002807819.3), dbSNP rs978531303, ClinGen allele CA217297749.
Genomic context (GRCh38, chr11:6,629,741, plus strand): 5'-GGTCGGTTGCTCGCAGGGTGAGCAGAGATGTGCCAGGAGGGTTGTTCTCACGCAAGAGGA[C>T]GCTGTACTCCTGCTGCTGGAAAGTAGGCGCCTCGTCGTTGACGTCAGCGACACTGACGGT-3'
Protein context (NP_003728.1, residues 1646-1666): APTFQQQEYS[Val1656Ile]LLRENNPPGT